The following is an entry in ClinVar:

ClinVar aggregate classification (germline): Uncertain significance (1 of 4 stars; one submission).

Allele frequency attached by ClinVar (database versions not stated): gnomAD exomes below 0.00001.
gnomAD v4.1: 1 of 1,613,712 alleles (0.000062%); highest among the groups gnomAD compares: East Asian, 0.0022%; no homozygotes.

Submission:

Labcorp Genetics (formerly Invitae), Labcorp
Classification: Uncertain significance. Last evaluated: 2023-09-08. Review status: criteria provided, single submitter. Criteria: Invitae Variant Classification Sherloc (09022015). Collection method: clinical testing. Allele origin: germline.
Comment: In summary, the available evidence is currently insufficient to determine the role of this variant in disease. Therefore, it has been classified as a Variant of Uncertain Significance. An algorithm developed to predict the effect of missense changes on protein structure and function (PolyPhen-2) suggests that this variant is likely to be disruptive. This variant has not been reported in the literature in individuals affected with NEK2-related conditions. This variant is present in population databases (no rsID available, gnomAD 0.006%). This sequence change replaces aspartic acid, which is acidic and polar, with asparagine, which is neutral and polar, at codon 198 of the NEK2 protein (p.Asp198Asn).

NM_002497.4(NEK2):c.592G>A (p.Asp198Asn)

Gene: NEK2 (NIMA related kinase 2; minus strand). Cytogenetic location: 1q32.3.
Variant type: single nucleotide variant.
Coding change: c.592G>A on transcript NM_002497.4 (MANE Select); coding-DNA position 592, G replaced by A.
Protein change: p.Asp198Asn; replaces aspartic acid 198 with asparagine.
Molecular consequence: missense variant.
Genome position (GRCh38, 1-based): chr1:211,671,248, C>T on the plus strand (G>A on the coding strand, the complement: NEK2 is on the minus strand). VCF-style: chr1-211671248-C-T. GRCh37 (hg19) VCF-style: chr1-211844590-C-T.
Other names: c.592G>A, p.Asp198Asn (NM_001204182.2, NM_001204183.2); short protein forms D198N.
Identifiers: ClinVar variation 2832884 (VCV002832884.3), dbSNP rs1424424423, ClinGen allele CA344781098.